The following is an entry in ClinVar:

NM_000278.5(PAX2):c.43C>T (p.Pro15Ser)

Gene: PAX2 (paired box 2; plus strand). Cytogenetic location: 10q24.31.
Variant type: single nucleotide variant.
Coding change: c.43C>T on transcript NM_000278.5 (MANE Select); coding-DNA position 43, C replaced by T.
Protein change: p.Pro15Ser; replaces proline 15 with serine.
Molecular consequence: missense variant.
Genome position (GRCh38, 1-based): chr10:100,746,303, C>T. VCF-style: chr10-100746303-C-T. GRCh37 (hg19) VCF-style: chr10-102506060-C-T.
Other names: c.136C>T, p.Pro46Ser (NM_001304569.2); c.136C>T, p.Arg46Cys (NM_001374303.1); c.43C>T, p.Pro15Ser (NM_003987.5, NM_003988.5, NM_003989.5 and 1 more transcripts); short protein forms P46S, P15S, R46C.
Identifiers: ClinVar variation 4998102 (VCV004998102.1).

ClinVar aggregate classification (germline): Uncertain significance (1 of 4 stars; one submission).

Conditions:
PAX2-Related Disorder. Also called: PAX2-related disorders. Identifiers: MedGen CN381309.

gnomAD v4.1: 1 of 1,590,586 alleles (0.000063%); highest among the groups gnomAD compares: Non-Finnish European, 0.000086%; no homozygotes.

Submission:

PreventionGenetics, part of Exact Sciences
Classification: Uncertain significance for PAX2-related condition. Last evaluated: 2025-03-12. Review status: criteria provided, single submitter. Criteria: ACMG Guidelines, 2015. Collection method: clinical testing. Allele origin: germline.
Comment: The PAX2 c.43C>T variant is predicted to result in the amino acid substitution p.Pro15Ser. To our knowledge, this variant has not been reported in the literature. This variant is absent in a large population database (gnomAD), indicating this variant is rare. At this time, the clinical significance of this variant is uncertain due to the absence of conclusive functional and genetic evidence.